The following is an entry in ClinVar:

NM_001164508.2(NEB):c.13528C>T (p.Arg4510Cys)

Gene: NEB (nebulin; minus strand). Cytogenetic location: 2q23.3.
Variant type: single nucleotide variant.
Coding change: c.13528C>T on transcript NM_001164508.2 (MANE Select); coding-DNA position 13528, C replaced by T.
Protein change: p.Arg4510Cys; replaces arginine 4510 with cysteine.
Molecular consequence: missense variant. On other transcripts: intron variant (1).
Genome position (GRCh38, 1-based): chr2:151,600,702, G>A on the plus strand (C>T on the coding strand, the complement: NEB is on the minus strand). VCF-style: chr2-151600702-G-A. GRCh37 (hg19) VCF-style: chr2-152457216-G-A.
Other names: c.13528C>T, p.Arg4510Cys (NM_001164507.2, NM_001271208.2); c.11601+9107C>T (NM_004543.5); short protein forms R4510C.
Identifiers: ClinVar variation 3898847 (VCV003898847.1).
Genomic context (GRCh38, chr2:151,600,702, plus strand): 5'-CATTCTGCATCTTCAACACATTTGCTGCCCAAACCAGTTTAGGGTCTTCCTTGGCGCTGC[G>A]ACAGCCAATGTAATGGCCTTTCTGTTTCTCATAAGCAGTTTTGTACAGATACTGGTAGAT-3'
Protein context (NP_001157980.2, residues 4500-4520): EKQKGHYIGC[Arg4510Cys]SAKEDPKLVW

ClinVar aggregate classification (germline): Uncertain significance (1 of 4 stars; one submission).

Submission:

GeneDx
Classification: Uncertain significance. Last evaluated: 2024-11-11. Review status: criteria provided, single submitter. Criteria: GeneDx Variant Classification Process June 2021. Collection method: clinical testing. Allele origin: germline. Affected: yes.
Comment: In silico analysis indicates that this missense variant does not alter protein structure/function; Has not been previously published as pathogenic or benign to our knowledge; In silico analysis suggests this variant may impact gene splicing. In the absence of RNA/functional studies, the actual effect of this sequence change is unknown.